The following is an entry in ClinVar:

ClinVar aggregate classification (germline): Uncertain significance. Review status: criteria provided, multiple submitters, no conflicts (2 of 4 stars). 2 submissions from 2 submitters: Uncertain significance (2). Last evaluated 2025-02-12.

Conditions:
Primary ciliary dyskinesia. Also called: Ciliary dyskinesia. Identifiers: Orphanet 244, MedGen C0008780, MONDO:0016575, HP:0012265.
Primary ciliary dyskinesia 7. Also called: CILIARY DYSKINESIA, PRIMARY, 7, WITH OR WITHOUT SITUS INVERSUS. Identifiers: Orphanet 244, MedGen C2678473, MONDO:0012748, OMIM 611884.

Allele frequency attached by ClinVar (database versions not stated): TOPMed below 0.00001.
gnomAD v4.1: 2 of 1,611,914 alleles (0.00012%); highest among the groups gnomAD compares: Admixed American, 0.0017%; no homozygotes.

Submissions (2):

Broad Center for Mendelian Genomics, Broad Institute of MIT and Harvard
Classification: Uncertain significance for Primary ciliary dyskinesia 7. Last evaluated: 2025-02-12. Review status: criteria provided, single submitter. Criteria: ACMG Guidelines, 2015. Collection method: curation. Allele origin: germline. Inheritance: Autosomal recessive inheritance.
Comment: The p.Ala1291Thr variant in DNAH11 has been reported in 2 siblings with primary ciliary dyskinesia (PMID: 23891469), and has been identified in 0.002% (1/59672) of Latino/Admixed American chromosomes by the Genome Aggregation Database (gnomAD; dbSNP rs1369525489). Although this variant has been seen in the general population in a heterozygous state, its frequency is low enough to be consistent with a recessive carrier frequency. Computational prediction tools, including splice predictors and conservation analyses, suggest that this variant may not impact the protein, though this information is not predictive enough to rule out pathogenicity. In summary, the clinical significance of the p.Ala1291Thr variant is uncertain. ACMG/AMP Criteria applied: BP4, PM2_supporting (Richards 2015).

Labcorp Genetics (formerly Invitae), Labcorp
Classification: Uncertain significance for Primary ciliary dyskinesia. Last evaluated: 2023-05-17. Review status: criteria provided, single submitter. Criteria: Invitae Variant Classification Sherloc (09022015). Collection method: clinical testing. Allele origin: germline.
Comment: In summary, the available evidence is currently insufficient to determine the role of this variant in disease. Therefore, it has been classified as a Variant of Uncertain Significance. Advanced modeling of protein sequence and biophysical properties (such as structural, functional, and spatial information, amino acid conservation, physicochemical variation, residue mobility, and thermodynamic stability) performed at Invitae indicates that this missense variant is not expected to disrupt DNAH11 protein function. This missense change has been observed in individual(s) with primary ciliary dyskinesia (PMID: 23891469; Invitae). This variant is present in population databases (no rsID available, gnomAD 0.003%). This sequence change replaces alanine, which is neutral and non-polar, with threonine, which is neutral and polar, at codon 1291 of the DNAH11 protein (p.Ala1291Thr).

Literature cited by the submitters: PubMed 23891469 (cited by Labcorp Genetics (formerly Invitae), Labcorp).

NM_001277115.2(DNAH11):c.3871G>A (p.Ala1291Thr)

Gene: DNAH11 (dynein axonemal heavy chain 11; plus strand). Cytogenetic location: 7p15.3.
Variant type: single nucleotide variant.
Coding change: c.3871G>A on transcript NM_001277115.2 (MANE Select); coding-DNA position 3871, G replaced by A.
Protein change: p.Ala1291Thr; replaces alanine 1291 with threonine.
Molecular consequence: missense variant.
Genome position (GRCh38, 1-based): chr7:21,615,132, G>A. VCF-style: chr7-21615132-G-A. GRCh37 (hg19) VCF-style: chr7-21654750-G-A.
Other names: NM_001277115.2:c.3871G>A; c.3871G>A, p.Ala1291Thr (NM_003777.3); short protein forms A1291T.
Identifiers: ClinVar variation 2717180 (VCV002717180.3), dbSNP rs1369525489, ClinGen allele CA366951049.